The following is an entry in ClinVar:

NM_000551.4(VHL):c.60C>G (p.Val20=)

Gene: VHL (von Hippel-Lindau tumor suppressor; plus strand). Cytogenetic location: 3p25.3.
Variant type: single nucleotide variant.
Coding change: c.60C>G on transcript NM_000551.4 (MANE Select); coding-DNA position 60, C replaced by G.
Protein change: p.Val20=; no amino-acid change (valine 20 retained).
Molecular consequence: synonymous variant.
Genome position (GRCh38, 1-based): chr3:10,141,907, C>G. VCF-style: chr3-10141907-C-G. GRCh37 (hg19) VCF-style: chr3-10183591-C-G.
Other names: c.60C>G, p.Val20= (NM_001354723.2, NM_198156.3).
Identifiers: ClinVar variation 526691 (VCV000526691.10), dbSNP rs1553619311, ClinGen allele CA432536204.
Genomic context (GRCh38, chr3:10,141,907, plus strand): 5'-AATGCCCCGGAGGGCGGAGAACTGGGACGAGGCCGAGGTAGGCGCGGAGGAGGCAGGCGT[C>G]GAAGAGTACGGCCCTGAAGAAGACGGCGGGGAGGAGTCGGGCGCCGAGGAGTCCGGCCCG-3'
Protein context (NP_000542.1, residues 10-30): EAEVGAEEAG[Val20=]EEYGPEEDGG

ClinVar aggregate classification (germline): Benign/Likely benign. Review status: criteria provided, multiple submitters, no conflicts (2 of 4 stars). 2 submissions from 2 submitters: Benign (1); Likely benign (1). Last evaluated 2025-10-26.

Conditions:
Chuvash polycythemia. Also called: POLYCYTHEMIA, VHL-DEPENDENT. Identifiers: Orphanet 238557, MedGen C1837915, MONDO:0009892, OMIM 263400.
Von Hippel-Lindau syndrome (VHLS). Also called: von Hippel–Lindau syndrome; VHL syndrome; Von Hippel-Lindau. Identifiers: Orphanet 892, MedGen C0019562, MONDO:0008667, OMIM 193300. Disease mechanism: loss of function.

Submissions (2):

Labcorp Genetics (formerly Invitae), Labcorp
Classification: Likely benign for Von Hippel-Lindau syndrome; Chuvash polycythemia. Last evaluated: 2025-10-26. Review status: criteria provided, single submitter. Criteria: Invitae Variant Classification Sherloc (09022015). Collection method: clinical testing. Allele origin: germline.

Myriad Genetics, Inc.
Classification: Benign for Von Hippel-Lindau syndrome. Last evaluated: 2025-06-10. Review status: criteria provided, single submitter. Criteria: Myriad Autosomal Dominant, Autosomal Recessive and X-Linked Classification Criteria (2023). Collection method: clinical testing. Allele origin: unknown.
Comment: This variant is considered benign. This variant is a silent/synonymous amino acid change and it is not expected to impact splicing.